The following is an entry in ClinVar:

ClinVar aggregate classification (germline): Uncertain significance. Review status: criteria provided, multiple submitters, no conflicts (2 of 4 stars). 5 submissions from 5 submitters: Uncertain significance (5). Last evaluated 2026-02-04.

Conditions:
Autosomal recessive limb-girdle muscular dystrophy type 2W (MDRCMTT). Also called: Muscular dystrophy, limb-girdle, type 2W; Muscular dystrophy, autosomal recessive, with cardiomyopathy and triangular tongue. Identifiers: MedGen C4225192, MONDO:0014788, OMIM 616827.

Allele frequency attached by ClinVar (database versions not stated): 1000 Genomes Project 30x 0.00016; 1000 Genomes Project 0.00020; ESP Exome Variant Server 0.00023; TOPMed 0.00025; gnomAD 0.00030 and 0.00031; ExAC 0.00036; gnomAD exomes 0.00037 and 0.00062.
gnomAD v4.1: 930 of 1,613,230 alleles (0.058%); highest among the groups gnomAD compares: Non-Finnish European, 0.07%; no homozygotes.

Submissions (5):

Labcorp Genetics (formerly Invitae), Labcorp
Classification: Uncertain significance for Autosomal recessive limb-girdle muscular dystrophy type 2W. Last evaluated: 2026-02-04. Review status: criteria provided, single submitter. Criteria: Invitae Variant Classification Sherloc (09022015). Collection method: clinical testing. Allele origin: germline.
Comment: This sequence change replaces glutamine, which is neutral and polar, with arginine, which is basic and polar, at codon 273 of the LIMS2 protein (p.Gln273Arg). This variant is present in population databases (rs146422285, gnomAD 0.07%), and has an allele count higher than expected for a pathogenic variant. This variant has not been reported in the literature in individuals affected with LIMS2-related conditions. ClinVar contains an entry for this variant (Variation ID: 542251). An algorithm developed to predict the effect of missense changes on protein structure and function (PolyPhen-2) suggests that this variant is likely to be disruptive. In summary, the available evidence is currently insufficient to determine the role of this variant in disease. Therefore, it has been classified as a Variant of Uncertain Significance.

Revvity Omics, Revvity
Classification: Uncertain significance for Autosomal recessive limb-girdle muscular dystrophy type 2W. Last evaluated: 2024-07-10. Review status: criteria provided, single submitter. Criteria: ACMG Guidelines, 2015. Collection method: clinical testing. Allele origin: germline.

Ambry Genetics
Classification: Uncertain significance. Last evaluated: 2021-08-12. Review status: criteria provided, single submitter. Criteria: Ambry Variant Classification Scheme 2023. Collection method: clinical testing. Allele origin: germline.

Johns Hopkins Genomics, Johns Hopkins University
Classification: Uncertain significance for Autosomal recessive limb-girdle muscular dystrophy type 2W. Last evaluated: 2021-05-23. Review status: criteria provided, single submitter. Criteria: ACMG Guidelines, 2015. Collection method: clinical testing. Allele origin: germline.

CeGaT Center for Human Genetics Tuebingen
Classification: Uncertain significance. Last evaluated: 2017-07-01. Review status: criteria provided, single submitter. Criteria: CeGaT Center For Human Genetics Tuebingen Variant Classification Criteria Version 2. Collection method: clinical testing. Allele origin: germline. Affected: yes. Observed: 1 variant allele.

Literature cited by the submitters: PubMed 25589244 (cited by Johns Hopkins Genomics, Johns Hopkins University).

NM_001161403.3(LIMS2):c.752A>G (p.Gln251Arg)

Gene: LIMS2 (LIM zinc finger domain containing 2; minus strand). Cytogenetic location: 2q14.3.
Variant type: single nucleotide variant.
Coding change: c.752A>G on transcript NM_001161403.3 (MANE Select); coding-DNA position 752, A replaced by G.
Protein change: p.Gln251Arg; replaces glutamine 251 with arginine.
Molecular consequence: missense variant.
Genome position (GRCh38, 1-based): chr2:127,640,897, T>C on the plus strand (A>G on the coding strand, the complement: LIMS2 is on the minus strand). VCF-style: chr2-127640897-T-C. GRCh37 (hg19) VCF-style: chr2-128398472-T-C.
Other names: c.818A>G (NM_001136037.3); c.818A>G, p.Gln273Arg (NM_001136037.4); c.737A>G, p.Gln246Arg (NM_001161404.2); c.296A>G, p.Gln99Arg (NM_001256542.2); c.824A>G, p.Gln275Arg (NM_017980.5); short protein forms Q275R, Q246R, Q273R, Q99R, Q251R.
Identifiers: ClinVar variation 542251 (VCV000542251.55), dbSNP rs146422285, ClinGen allele CA1862914.
Genomic context (GRCh38, chr2:127,640,897, plus strand): 5'-GCAGCTCTCCTGGCCACCCCTCCAGACCCGCATCCCTGAAGGTTCTGCACCGGGCTCACC[T>C]GGTTGTAGTGAGTCTCGCAGTAGGCCAGGCCCTTCTTCTCATAGTGCCGGTGCCCCAGGA-3'
Protein context (NP_001154875.1, residues 241-261): GLAYCETHYN[Gln251Arg]LFGDVCYNCS